The following is an entry in ClinVar:

ClinVar aggregate classification (germline): Uncertain significance. Review status: criteria provided, multiple submitters, no conflicts (2 of 4 stars). 2 submissions from 2 submitters: Uncertain significance (2). Last evaluated 2025-01-27.

Conditions:
Dyskeratosis congenita, autosomal recessive 5 (DKCB5). Identifiers: MedGen C3554656, MONDO:0014076, OMIM 615190.
Pulmonary fibrosis and/or bone marrow failure, Telomere-related, 3. Also called: PULMONARY FIBROSIS AND/OR BONE MARROW FAILURE SYNDROME, TELOMERE-RELATED, 3. Identifiers: Orphanet 2032, MedGen C4225346, MONDO:0014613, OMIM 616373.
Inborn genetic diseases. Identifiers: MedGen C0950123, MeSH D030342.

Allele frequency attached by ClinVar (database versions not stated): TOPMed below 0.00001.
gnomAD v4.1: 7 of 1,612,396 alleles (0.00043%); highest among the groups gnomAD compares: East Asian, 0.0022%; no homozygotes.

Submissions (2):

Ambry Genetics
Classification: Uncertain significance for Inborn genetic diseases. Last evaluated: 2025-01-27. Review status: criteria provided, single submitter. Criteria: Ambry Variant Classification Scheme 2023. Collection method: clinical testing. Allele origin: germline.
Comment: The p.A1011T variant (also known as c.3031G>A), located in coding exon 30 of the RTEL1 gene, results from a G to A substitution at nucleotide position 3031. The alanine at codon 1011 is replaced by threonine, an amino acid with similar properties. This amino acid position is conserved. In addition, this alteration is predicted to be tolerated by in silico analysis. Based on the available evidence, the clinical significance of this variant remains unclear.

Labcorp Genetics (formerly Invitae), Labcorp
Classification: Uncertain significance for Dyskeratosis congenita, autosomal recessive 5; Pulmonary fibrosis and/or bone marrow failure, Telomere-related, 3. Last evaluated: 2023-02-04. Review status: criteria provided, single submitter. Criteria: Invitae Variant Classification Sherloc (09022015). Collection method: clinical testing. Allele origin: germline.
Comment: In summary, the available evidence is currently insufficient to determine the role of this variant in disease. Therefore, it has been classified as a Variant of Uncertain Significance. This sequence change replaces alanine, which is neutral and non-polar, with threonine, which is neutral and polar, at codon 1011 of the RTEL1 protein (p.Ala1011Thr). This variant is not present in population databases (gnomAD no frequency). This variant has not been reported in the literature in individuals affected with RTEL1-related conditions. Algorithms developed to predict the effect of missense changes on protein structure and function (SIFT, PolyPhen-2, Align-GVGD) all suggest that this variant is likely to be tolerated.

NM_001283009.2(RTEL1):c.3031G>A (p.Ala1011Thr)

Genes: RTEL1 (regulator of telomere elongation helicase 1; plus strand), RTEL1-TNFRSF6B (RTEL1-TNFRSF6B readthrough (NMD candidate); plus strand). Cytogenetic location: 20q13.33.
Variant type: single nucleotide variant.
Coding change: c.3031G>A on transcript NM_001283009.2 (MANE Select); coding-DNA position 3031, G replaced by A.
Protein change: p.Ala1011Thr; replaces alanine 1011 with threonine.
Molecular consequence: missense variant. On other transcripts: non-coding transcript variant (1).
Genome position (GRCh38, 1-based): chr20:63,694,410, G>A. VCF-style: chr20-63694410-G-A. GRCh37 (hg19) VCF-style: chr20-62325763-G-A.
Other names: c.2362G>A, p.Ala788Thr (NM_001283010.1); c.3031G>A, p.Ala1011Thr (NM_016434.4); c.3103G>A, p.Ala1035Thr (NM_032957.5); short protein forms A1011T, A788T, A1035T.
Identifiers: ClinVar variation 2929904 (VCV002929904.4), dbSNP rs2090913163, ClinGen allele CA409684454.